The following is an entry in ClinVar:

NM_020433.5(JPH2):c.826G>A (p.Ala276Thr)

Gene: JPH2 (junctophilin 2; minus strand). Cytogenetic location: 20q13.12.
Variant type: single nucleotide variant.
Coding change: c.826G>A on transcript NM_020433.5 (MANE Select); coding-DNA position 826, G replaced by A.
Protein change: p.Ala276Thr; replaces alanine 276 with threonine.
Molecular consequence: missense variant.
Genome position (GRCh38, 1-based): chr20:44,159,961, C>T on the plus strand (G>A on the coding strand, the complement: JPH2 is on the minus strand). VCF-style: chr20-44159961-C-T. GRCh37 (hg19) VCF-style: chr20-42788601-C-T.
Other names: short protein forms A276T.
Identifiers: ClinVar variation 3287233 (VCV003287233.1).

ClinVar aggregate classification (germline): Uncertain significance (1 of 4 stars; one submission).

Conditions:
Cardiovascular phenotype. Identifiers: MedGen CN230736.

gnomAD v4.1: 1 of 1,601,488 alleles (0.000062%); highest among the groups gnomAD compares: African/African-American, 0.0013%; no homozygotes.

Submission:

Ambry Genetics
Classification: Uncertain significance for Cardiovascular phenotype. Last evaluated: 2024-05-17. Review status: criteria provided, single submitter. Criteria: Ambry Variant Classification Scheme 2023. Collection method: clinical testing. Allele origin: germline.
Comment: The p.A276T variant (also known as c.826G>A), located in coding exon 2 of the JPH2 gene, results from a G to A substitution at nucleotide position 826. The alanine at codon 276 is replaced by threonine, an amino acid with similar properties. This amino acid position is conserved. In addition, this alteration is predicted to be tolerated by in silico analysis. Based on the available evidence, the clinical significance of this variant remains unclear.